The following is an entry in ClinVar:

NM_017763.6(RNF43):c.103G>A (p.Ala35Thr)

Gene: RNF43 (ring finger protein 43; minus strand). Cytogenetic location: 17q22.
Variant type: single nucleotide variant.
Coding change: c.103G>A on transcript NM_017763.6 (MANE Select); coding-DNA position 103, G replaced by A.
Protein change: p.Ala35Thr; replaces alanine 35 with threonine.
Molecular consequence: missense variant.
Genome position (GRCh38, 1-based): chr17:58,415,475, C>T on the plus strand (G>A on the coding strand, the complement: RNF43 is on the minus strand). VCF-style: chr17-58415475-C-T. GRCh37 (hg19) VCF-style: chr17-56492836-C-T.
Other names: c.103G>A (NM_017763.4); c.103G>A, p.Ala35Thr (NM_001305544.3); short protein forms A35T.
Identifiers: ClinVar variation 2678409 (VCV002678409.3), dbSNP rs746431846, ClinGen allele CA8673511.

ClinVar aggregate classification (germline): Uncertain significance. Review status: criteria provided, multiple submitters, no conflicts (2 of 4 stars). 3 submissions from 3 submitters: Uncertain significance (3). Last evaluated 2025-03-01.

Conditions:
Sessile serrated polyposis cancer syndrome (SSPCS). Identifiers: Orphanet 157798, MedGen C4310714, MONDO:0014919, OMIM 617108.

Allele frequency attached by ClinVar (database versions not stated): gnomAD exomes below 0.00001; ExAC 0.00001; TOPMed 0.00001; gnomAD 0.00002.

Submissions (3):

Ambry Genetics
Classification: Uncertain significance. Last evaluated: 2025-03-01. Review status: criteria provided, single submitter. Criteria: Ambry Variant Classification Scheme 2023. Collection method: clinical testing. Allele origin: germline.
Comment: The p.A35T variant (also known as c.103G>A), located in coding exon 1 of the RNF43 gene, results from a G to A substitution at nucleotide position 103. The alanine at codon 35 is replaced by threonine, an amino acid with similar properties. This amino acid position is conserved. In addition, this alteration is predicted to be tolerated by in silico analysis. Based on the available evidence, the clinical significance of this variant remains unclear.

Baylor Genetics
Classification: Uncertain significance for Sessile serrated polyposis cancer syndrome. Last evaluated: 2023-08-14. Review status: criteria provided, single submitter. Criteria: ACMG Guidelines, 2015. Collection method: clinical testing. Allele origin: unknown.

GeneDx
Classification: Uncertain significance. Last evaluated: 2023-04-24. Review status: criteria provided, single submitter. Criteria: GeneDx Variant Classification Process June 2021. Collection method: clinical testing. Allele origin: germline. Affected: yes.
Comment: Variants in candidate genes are classified as variants of uncertain significance in accordance with ACMG guidelines (Richards et al., 2015); Has not been previously published as pathogenic or benign to our knowledge; Not observed at significant frequency in large population cohorts (gnomAD); In silico analysis supports that this missense variant does not alter protein structure/function